The following is an entry in ClinVar:

ClinVar aggregate classification (germline): Uncertain significance (1 of 4 stars; one submission).

Conditions:
Schaaf-Yang syndrome (SHFYNG). Also called: Arthrogryposis, distal, with hypopituitarism, intellectual disability, and facial anomalies; MAGEL2-related Prader-Willi-like syndrome. Identifiers: Orphanet 398069, MedGen C5575066, MONDO:0014243, OMIM 615547.

Allele frequency attached by ClinVar (database versions not stated): gnomAD exomes below 0.00001 and 0.00001.

Submission:

Baylor Genetics
Classification: Uncertain significance for Schaaf-Yang syndrome. Last evaluated: 2019-03-05. Review status: criteria provided, single submitter. Criteria: ACMG Guidelines, 2015. Collection method: clinical testing. Allele origin: paternal. Affected: yes.
Comment: This variant was determined to be of uncertain significance according to ACMG Guidelines, 2015 [PMID:25741868].

NM_019066.5(MAGEL2):c.1145_1147dup (p.Trp382_Gln383insArg)

Gene: MAGEL2 (MAGE family member L2; minus strand). Cytogenetic location: 15q11.2.
Variant type: Duplication.
Coding change: c.1145_1147dup on transcript NM_019066.5 (MANE Select); coding-DNA positions 1145 to 1147, 3 bases duplicated (GGC; older notation c.1145_1147dupGGC).
Protein change: p.Trp382_Gln383insArg.
Molecular consequence: inframe insertion.
Genome position (GRCh38, 1-based): chr15:23,646,596-23,646,598, GCC duplicated on the plus strand (GGC on the coding strand, the reverse complement: MAGEL2 is on the minus strand). VCF-style (leftmost placement, unchanged base first): chr15-23646595-T-TGCC. GRCh37 (hg19) VCF-style: chr15-23891742-T-TGCC.
Identifiers: ClinVar variation 1028137 (VCV001028137.1), dbSNP rs1397065690, ClinGen allele CA617084195.
Genomic context (GRCh38, chr15:23,646,595, plus strand): 5'-CAGGTAACGGCTGGTGCCTGCCAGGTGACCTGCGTGGTCTGCCAAGTCAGGGGAGTGGCC[T>TGCC]GCCAGCCTTGCTGCGTGGCCTGCCATCCTGGCGAGGTCGCCTGCCAGCCCGGGGGTGTGG-3'